The following is an entry in ClinVar:

ClinVar aggregate classification (germline): Uncertain significance (1 of 4 stars; one submission).

Allele frequency attached by ClinVar (database versions not stated): gnomAD 0.00001.

Submission:

Labcorp Genetics (formerly Invitae), Labcorp
Classification: Uncertain significance. Last evaluated: 2022-10-17. Review status: criteria provided, single submitter. Criteria: Invitae Variant Classification Sherloc (09022015). Collection method: clinical testing. Allele origin: germline.
Comment: Algorithms developed to predict the effect of missense changes on protein structure and function (SIFT, PolyPhen-2, Align-GVGD) all suggest that this variant is likely to be disruptive. This sequence change replaces serine, which is neutral and polar, with proline, which is neutral and non-polar, at codon 3125 of the USH2A protein (p.Ser3125Pro). This variant is present in population databases (no rsID available, gnomAD 0.007%). This variant has not been reported in the literature in individuals affected with USH2A-related conditions. In summary, the available evidence is currently insufficient to determine the role of this variant in disease. Therefore, it has been classified as a Variant of Uncertain Significance.

NM_206933.4(USH2A):c.9373T>C (p.Ser3125Pro)

Gene: USH2A (usherin; minus strand). Cytogenetic location: 1q41.
Variant type: single nucleotide variant.
Coding change: c.9373T>C on transcript NM_206933.4 (MANE Select); coding-DNA position 9373, T replaced by C.
Protein change: p.Ser3125Pro; replaces serine 3125 with proline.
Molecular consequence: missense variant.
Genome position (GRCh38, 1-based): chr1:215,817,194, A>G on the plus strand (T>C on the coding strand, the complement: USH2A is on the minus strand). VCF-style: chr1-215817194-A-G. GRCh37 (hg19) VCF-style: chr1-215990536-A-G.
Other names: short protein forms S3125P.
Identifiers: ClinVar variation 2052278 (VCV002052278.4), dbSNP rs1479750057, ClinGen allele CA344825503.
Genomic context (GRCh38, chr1:215,817,194, plus strand): 5'-GATCATATCCAAGAATGATGCCATTTGGCTTCCGTGGAGACACCCAATCAATTTGAAGAG[A>G]TCTGCAACAGAGAGAATAATCAATACTTCTGAAAAGACACTATTTAACATTGATGCTATC-3'
Protein context (NP_996816.3, residues 3115-3135): TPTIRGITSR[Ser3125Pro]LQIDWVSPRK